The following is an entry in ClinVar:

ClinVar aggregate classification (germline): Pathogenic. Review status: criteria provided, multiple submitters, no conflicts (2 of 4 stars). 2 submissions from 2 submitters: Pathogenic (2). Last evaluated 2022-04-04.

Conditions:
Wilson disease (WND). Also called: Wilson's disease. Identifiers: Orphanet 905, MedGen C0019202, MONDO:0010200, OMIM 277900. Disease mechanism: loss of function.

Submissions (2):

Labcorp Genetics (formerly Invitae), Labcorp
Classification: Pathogenic for Wilson disease. Last evaluated: 2022-04-04. Review status: criteria provided, single submitter. Criteria: Invitae Variant Classification Sherloc (09022015). Collection method: clinical testing. Allele origin: germline.
Comment: This sequence change creates a premature translational stop signal (p.Gly809Valfs*5) in the ATP7B gene. It is expected to result in an absent or disrupted protein product. Loss-of-function variants in ATP7B are known to be pathogenic (PMID: 10441329, 16283883). For these reasons, this variant has been classified as Pathogenic. Algorithms developed to predict the effect of sequence changes on RNA splicing suggest that this variant may create or strengthen a splice site. ClinVar contains an entry for this variant (Variation ID: 950052). This variant has not been reported in the literature in individuals affected with ATP7B-related conditions. This variant is not present in population databases (gnomAD no frequency).

Genome-Nilou Lab
Classification: Pathogenic for Wilson disease. Last evaluated: 2021-08-10. Review status: criteria provided, single submitter. Criteria: ACMG Guidelines, 2015. Collection method: clinical testing. Allele origin: germline. Affected: no.

Literature cited by the submitters: PubMed 10441329 (cited by Labcorp Genetics (formerly Invitae), Labcorp); PubMed 16283883 (cited by Labcorp Genetics (formerly Invitae), Labcorp).

NM_000053.4(ATP7B):c.2426del (p.Gly809fs)

Gene: ATP7B (ATPase copper transporting beta; minus strand). Cytogenetic location: 13q14.3.
Variant type: Deletion.
Coding change: c.2426del on transcript NM_000053.4 (MANE Select); coding-DNA position 2426, one base deleted (G; older notation c.2426delG).
Protein change: p.Gly809fs; shifts the reading frame from glycine 809.
Molecular consequence: frameshift variant.
Genome position (GRCh38, 1-based): chr13:51,957,537, C deleted on the plus strand (G on the coding strand, the reverse complement: ATP7B is on the minus strand); the first of 2 consecutive C bases (chr13:51,957,537-51,957,538); deleting either gives the same sequence. VCF-style (leftmost placement, unchanged base first): chr13-51957536-AC-A. GRCh37 (hg19) VCF-style: chr13-52531672-AC-A.
Other names: c.1940del, p.Gly647fs (NM_001005918.3); c.2093del, p.Gly698fs (NM_001243182.2); c.2192del, p.Gly731fs (NM_001330578.2); c.2174del, p.Gly725fs (NM_001330579.2); short protein forms G731fs, G809fs, G698fs, G725fs, G647fs.
Identifiers: ClinVar variation 950052 (VCV000950052.9), dbSNP rs1958433515, ClinGen allele CA1139663317.